The following is an entry in ClinVar:

ClinVar aggregate classification (germline): Uncertain significance (1 of 4 stars; one submission).

Allele frequency attached by ClinVar (database versions not stated): gnomAD exomes below 0.00001; gnomAD 0.00001; ExAC 0.00003.
gnomAD v4.1: 3 of 1,206,321 alleles (0.00025%); highest among the groups gnomAD compares: African/African-American, 0.0053%; no homozygotes.

Submission:

Labcorp Genetics (formerly Invitae), Labcorp
Classification: Uncertain significance. Last evaluated: 2022-06-19. Review status: criteria provided, single submitter. Criteria: Invitae Variant Classification Sherloc (09022015). Collection method: clinical testing. Allele origin: germline.
Comment: In summary, the available evidence is currently insufficient to determine the role of this variant in disease. Therefore, it has been classified as a Variant of Uncertain Significance. Algorithms developed to predict the effect of missense changes on protein structure and function are either unavailable or do not agree on the potential impact of this missense change (SIFT: "Deleterious"; PolyPhen-2: "Possibly Damaging"; Align-GVGD: "Class C0"). This variant has not been reported in the literature in individuals affected with CACNA1F-related conditions. This variant is present in population databases (rs782057023, gnomAD 0.008%). This sequence change replaces serine, which is neutral and polar, with phenylalanine, which is neutral and non-polar, at codon 887 of the CACNA1F protein (p.Ser887Phe).

NM_001256789.3(CACNA1F):c.2627C>T (p.Ser876Phe)

Gene: CACNA1F (calcium voltage-gated channel subunit alpha1 F; minus strand). Cytogenetic location: Xp11.23.
Variant type: single nucleotide variant.
Coding change: c.2627C>T on transcript NM_001256789.3 (MANE Select); coding-DNA position 2627, C replaced by T.
Protein change: p.Ser876Phe; replaces serine 876 with phenylalanine.
Molecular consequence: missense variant.
Genome position (GRCh38, 1-based): chrX:49,219,367, G>A on the plus strand (C>T on the coding strand, the complement: CACNA1F is on the minus strand). VCF-style: chrX-49219367-G-A. GRCh37 (hg19) VCF-style: chrX-49075826-G-A.
Other names: c.2465C>T, p.Ser822Phe (NM_001256790.3); c.2660C>T, p.Ser887Phe (NM_005183.4); short protein forms S876F, S887F, S822F.
Identifiers: ClinVar variation 1974742 (VCV001974742.5), dbSNP rs782057023, ClinGen allele CA10410638.